The following is an entry in ClinVar:

NM_000093.5(COL5A1):c.3082C>T (p.Leu1028Phe)

Gene: COL5A1 (collagen type V alpha 1 chain; plus strand). Cytogenetic location: 9q34.3.
Variant type: single nucleotide variant.
Coding change: c.3082C>T on transcript NM_000093.5 (MANE Select); coding-DNA position 3082, C replaced by T.
Protein change: p.Leu1028Phe; replaces leucine 1028 with phenylalanine.
Molecular consequence: missense variant.
Genome position (GRCh38, 1-based): chr9:134,802,963, C>T. VCF-style: chr9-134802963-C-T. GRCh37 (hg19) VCF-style: chr9-137694809-C-T.
Other names: c.3082C>T, p.Leu1028Phe (NM_001278074.1); short protein forms L1028F.
Identifiers: ClinVar variation 409102 (VCV000409102.10), dbSNP rs762810181, ClinGen allele CA5319748.

ClinVar aggregate classification (germline): Uncertain significance (1 of 4 stars; one submission).

Conditions:
Ehlers-Danlos syndrome, classic type, 1 (EDSCL1). Also called: EHLERS-DANLOS SYNDROME, GRAVIS TYPE; EHLERS-DANLOS SYNDROME, SEVERE CLASSIC TYPE; Ehlers-Danlos Syndrome, Classic Type, COL5A1-Related; EDS I; Ehlers-Danlos syndrome, type 1. Identifiers: MedGen C0268335, MONDO:0019567, OMIM 130000.

Allele frequency attached by ClinVar (database versions not stated): gnomAD exomes 0.00001 and below 0.00001; ExAC 0.00001.
gnomAD v4.1: 5 of 1,608,942 alleles (0.00031%); highest among the groups gnomAD compares: Non-Finnish European, 0.00025%; no homozygotes.

Submission:

Labcorp Genetics (formerly Invitae), Labcorp
Classification: Uncertain significance for Ehlers-Danlos syndrome, classic type, 1. Last evaluated: 2017-04-06. Review status: criteria provided, single submitter. Criteria: Invitae Variant Classification Sherloc (09022015). Collection method: clinical testing. Allele origin: germline.
Comment: In summary, this variant is a rare missense change with an uncertain effect on protein function. There is no indication that it causes disease, but the available evidence is currently insufficient to prove that conclusively. Therefore, it has been classified as a Variant of Uncertain Significance. Algorithms developed to predict the effect of missense changes on protein structure and function do not agree on the potential impact of this missense change (SIFT: "Tolerated"; PolyPhen-2: "Probably Damaging"; Align-GVGD: "Class C0"). The frequency data for this variant (rs762810181) in the population databases is unreliable, as metrics indicate poor quality at this position in the ExAC database. This variant has not been reported in the literature in an individual with a COL5A1-related disease. This sequence change replaces leucine with phenylalanine at codon 1028 of the COL5A1 protein (p.Leu1028Phe). The leucine residue is highly conserved and there is a small physicochemical difference between leucine and phenylalanine.